The following is an entry in ClinVar:

NM_001904.4(CTNNB1):c.100G>A (p.Gly34Arg)

Genes: CTNNB1 (catenin beta 1; plus strand), LOC126806658 (BRD4-independent group 4 enhancer GRCh37_chr3:41265899-41267098; plus strand). Cytogenetic location: 3p22.1.
Variant type: single nucleotide variant.
Coding change: c.100G>A on transcript NM_001904.4 (MANE Select); coding-DNA position 100, G replaced by A.
Protein change: p.Gly34Arg; replaces glycine 34 with arginine.
Molecular consequence: missense variant.
Genome position (GRCh38, 1-based): chr3:41,224,612, G>A. VCF-style: chr3-41224612-G-A. GRCh37 (hg19) VCF-style: chr3-41266103-G-A.
Other names: c.100G>A, p.Gly34Arg (NM_001098209.2, NM_001098210.2); c.79G>A, p.Gly27Arg (NM_001330729.2); short protein forms G34R, G27R.
Identifiers: ClinVar variation 376232 (VCV000376232.3), dbSNP rs121913399, ClinGen allele CA16602685.

ClinVar aggregate classification (germline): Pathogenic (0 of 4 stars; one submission).
ClinVar aggregate classification (somatic clinical impact): Tier I - Strong. Review status: criteria provided, single submitter (1 of 4 stars). 2 submissions from 1 submitter. Last evaluated 2024-10-10.

Conditions:
Malignant tumor of urinary bladder. Also called: Bladder cancer; Urinary Bladder Neoplasms; Urinary bladder cancer. Identifiers: MedGen C0005684, MONDO:0001187, OMIM 109800.
Solid pseudopapillary neoplasm of the pancreas. Identifiers: MedGen C1336030, MONDO:0044786.
Adamantinous craniopharyngioma. Identifiers: MedGen C0431129, MONDO:0002787.

Submissions (3):

Institute for Genomic Medicine (IGM) Clinical Laboratory, Nationwide Children's Hospital
Classification: Tier I - Strong for Solid pseudopapillary neoplasm of the pancreas. Assertion type: diagnostic. Clinical significance: supports diagnosis. Last evaluated: 2024-10-10. Review status: criteria provided, single submitter. Criteria: AMP/ASCO/CAP Guidelines, 2017. Collection method: clinical testing. Allele origin: somatic. Affected: yes.
Comment: Variant has Tier I (strong) clinical significance as a diagnostic inclusion criterion in solid pseudopapillary neoplasm of the pancreas, based on the following evidence: 1) Documented in one or more cancer databases (e.g., St. Jude Pecan, COSMIC, CIViC, OncoKB). 2) Appears in one or more well-established professional guidelines (e.g., World Health Organization [WHO]; National Comprehensive Cancer Network [NCCN]) as providing diagnostic, prognostic, or therapeutic information. 3) Information in the literature supports potential biologic effect of variant (PMIDs: 29435196, 30699286). 4) Diagnostic for a specific tumor type/classification according to professional guidelines (Evidence Level A; PMIDs: 11943721, 16967453, 30972907, 22158988).

Institute for Genomic Medicine (IGM) Clinical Laboratory, Nationwide Children's Hospital
Classification: Tier I - Strong for Adamantinous craniopharyngioma. Assertion type: diagnostic. Clinical significance: supports diagnosis. Last evaluated: 2024-04-02. Review status: criteria provided, single submitter. Criteria: AMP/ASCO/CAP Guidelines, 2017. Collection method: clinical testing. Allele origin: somatic. Affected: yes.
Comment: Variant has Tier I (strong) clinical significance as a diagnostic inclusion criterion in adamantinous craniopharyngioma, based on the following evidence: 1) Documented in one or more cancer databases (e.g., St. Jude Pecan, COSMIC, CIViC, OncoKB). 2) Appears in one or more well-established professional guidelines (e.g., World Health Organization [WHO]; National Comprehensive Cancer Network [NCCN]) as providing diagnostic, prognostic, or therapeutic information. 3) Information in the literature supports potential biologic effect of variant (PMIDs: 29435196, 10417756). 4) Diagnostic for a specific tumor type/classification according to professional guidelines (Evidence Level A; PMIDs: 12466115, 24413733, 28069929).

Laboratory of Urology, Hospital Clinic de Barcelona
Classification: Pathogenic for Malignant tumor of urinary bladder. Review status: no assertion criteria provided. Collection method: research. Allele origin: somatic. Affected: yes.

Literature cited by the submitters: PubMed 29435196 (cited by Institute for Genomic Medicine (IGM) Clinical Laboratory, Nationwide Children's Hospital); PubMed 30699286 (cited by Institute for Genomic Medicine (IGM) Clinical Laboratory, Nationwide Children's Hospital); PubMed 11943721 (cited by Institute for Genomic Medicine (IGM) Clinical Laboratory, Nationwide Children's Hospital); PubMed 16967453 (cited by Institute for Genomic Medicine (IGM) Clinical Laboratory, Nationwide Children's Hospital); PubMed 30972907 (cited by Institute for Genomic Medicine (IGM) Clinical Laboratory, Nationwide Children's Hospital); PubMed 22158988 (cited by Institute for Genomic Medicine (IGM) Clinical Laboratory, Nationwide Children's Hospital); PubMed 10417756 (cited by Institute for Genomic Medicine (IGM) Clinical Laboratory, Nationwide Children's Hospital); PubMed 12466115 (cited by Institute for Genomic Medicine (IGM) Clinical Laboratory, Nationwide Children's Hospital); PubMed 24413733 (cited by Institute for Genomic Medicine (IGM) Clinical Laboratory, Nationwide Children's Hospital); PubMed 28069929 (cited by Institute for Genomic Medicine (IGM) Clinical Laboratory, Nationwide Children's Hospital).